The following is an entry in ClinVar:

NC_000014.8:g.(?_95556825)_(95599805_?)dup

Gene: DICER1 (dicer 1, ribonuclease III; minus strand). Cytogenetic location: 14q32.13.
Variant type: Duplication.
Identifiers: ClinVar variation 663431 (VCV000663431.4).

ClinVar aggregate classification (germline): Uncertain significance (1 of 4 stars; one submission).

Conditions:
DICER1-related tumor predisposition. Also called: DICER1 syndrome; DICER1-related pleuropulmonary blastoma cancer predisposition syndrome. Identifiers: Orphanet 284343, MedGen C3839822, MONDO:0100216.

Submission:

Labcorp Genetics (formerly Invitae), Labcorp
Classification: Uncertain significance for DICER1-related tumor predisposition. Last evaluated: 2020-04-08. Review status: criteria provided, single submitter. Criteria: Invitae Variant Classification Sherloc (09022015). Collection method: clinical testing. Allele origin: germline.
Comment: This variant results in a copy number gain of the genomic region encompassing the full coding sequence of the DICER1 gene. The boundaries of this event are unknown as they extend beyond the assayed region for this gene and therefore may encompass additional genes. As the precise location of this event is unknown, it may be in tandem or it may be located elsewhere in the genome. This variant has not been reported in the literature in individuals with DICER1-related conditions. Experimental studies and prediction algorithms are not available or were not evaluated, and the functional significance of this variant is currently unknown. In summary, the available evidence is currently insufficient to determine the role of this variant in disease. Therefore, it has been classified as a Variant of Uncertain Significance.